The following is an entry in ClinVar:

NM_001005361.3(DNM2):c.2249C>T (p.Pro750Leu)

Gene: DNM2 (dynamin 2; plus strand). Cytogenetic location: 19p13.2.
Variant type: single nucleotide variant.
Coding change: c.2249C>T on transcript NM_001005361.3 (MANE Select); coding-DNA position 2249, C replaced by T.
Protein change: p.Pro750Leu; replaces proline 750 with leucine.
Molecular consequence: missense variant.
Genome position (GRCh38, 1-based): chr19:10,829,226, C>T. VCF-style: chr19-10829226-C-T. GRCh37 (hg19) VCF-style: chr19-10939902-C-T.
Other names: c.2249C>T, p.Pro750Leu (NM_001005360.3, NM_001190716.2); c.2237C>T, p.Pro746Leu (NM_001005362.3, NM_004945.4); short protein forms P750L, P746L.
Identifiers: ClinVar variation 960259 (VCV000960259.11), dbSNP rs375350902, ClinGen allele CA9201556.
Genomic context (GRCh38, chr19:10,829,226, plus strand): 5'-AGGAGGCGCTCAACATCATCGGTGACATCAGCACCAGCACTGTGTCCACGCCTGTACCCC[C>T]GCCTGTCGATGACACCTGGCTCCAGAGCGCCAGCAGCCACAGGTCCGGAAGCCTGGTTCC-3'
Protein context (NP_001005361.1, residues 740-760): STSTVSTPVP[Pro750Leu]PVDDTWLQSA

ClinVar aggregate classification (germline): Uncertain significance. Review status: criteria provided, multiple submitters, no conflicts (2 of 4 stars). 3 submissions from 3 submitters: Uncertain significance (3). Last evaluated 2025-12-03.

Conditions:
Inborn genetic diseases. Identifiers: MedGen C0950123, MeSH D030342.
Charcot-Marie-Tooth disease dominant intermediate B (CMTDIB). Also called: Charcot-Marie-Tooth disease dominant intermediate 1; CMT DI1; Charcot-Marie-Tooth disease dominant intermediate I; CHARCOT-MARIE-TOOTH NEUROPATHY, DOMINANT INTERMEDIATE B. Identifiers: Orphanet 100044, Orphanet 228179, MedGen C1847902, MONDO:0011674, OMIM 606482.

Allele frequency attached by ClinVar (database versions not stated): TOPMed 0.00001.
gnomAD v4.1: 10 of 1,614,000 alleles (0.00062%); highest among the groups gnomAD compares: South Asian, 0.0055%; 1 homozygote.

Submissions (3):

Women's Health and Genetics/Laboratory Corporation of America, LabCorp
Classification: Uncertain significance. Last evaluated: 2025-12-03. Review status: criteria provided, single submitter. Criteria: LabCorp Variant Classification Summary - May 2015. Collection method: clinical testing. Allele origin: germline.
Comment: Variant summary: DNM2 c.2249C>T (p.Pro750Leu) results in a non-conservative amino acid change in the encoded protein sequence. Algorithms developed to predict the effect of missense changes on protein structure and function all suggest that this variant is likely to be disruptive. The variant allele was found at a frequency of 2e-05 in 251042 control chromosomes in the gnomAD database, including 1 homozygotes. The available data on variant occurrences in the general population are insufficient to allow any conclusion about variant significance. To our knowledge, no occurrence of c.2249C>T in individuals affected with DNM2-related conditions and no experimental evidence demonstrating its impact on protein function have been reported. ClinVar contains an entry for this variant (Variation ID: 960259). Based on the evidence outlined above, the variant was classified as uncertain significance.

Labcorp Genetics (formerly Invitae), Labcorp
Classification: Uncertain significance for Charcot-Marie-Tooth disease dominant intermediate B. Last evaluated: 2025-09-14. Review status: criteria provided, single submitter. Criteria: Invitae Variant Classification Sherloc (09022015). Collection method: clinical testing. Allele origin: germline.
Comment: This sequence change replaces proline, which is neutral and non-polar, with leucine, which is neutral and non-polar, at codon 750 of the DNM2 protein (p.Pro750Leu). This variant is present in population databases (rs375350902, gnomAD 0.01%), including at least one homozygous and/or hemizygous individual. This variant has not been reported in the literature in individuals affected with DNM2-related conditions. ClinVar contains an entry for this variant (Variation ID: 960259). Invitae Evidence Modeling of protein sequence and biophysical properties (such as structural, functional, and spatial information, amino acid conservation, physicochemical variation, residue mobility, and thermodynamic stability) has been performed for this missense variant. However, the output from this modeling did not meet the statistical confidence thresholds required to predict the impact of this variant on DNM2 protein function. In summary, the available evidence is currently insufficient to determine the role of this variant in disease. Therefore, it has been classified as a Variant of Uncertain Significance.

Ambry Genetics
Classification: Uncertain significance for Inborn genetic diseases. Last evaluated: 2025-08-01. Review status: criteria provided, single submitter. Criteria: Ambry Variant Classification Scheme 2023. Collection method: clinical testing. Allele origin: germline.